The following is an entry in ClinVar:

NM_003060.4(SLC22A5):c.902C>G (p.Ala301Gly)

Gene: SLC22A5 (solute carrier family 22 member 5; plus strand). Cytogenetic location: 5q31.1.
Variant type: single nucleotide variant.
Coding change: c.902C>G on transcript NM_003060.4 (MANE Select); coding-DNA position 902, C replaced by G.
Protein change: p.Ala301Gly; replaces alanine 301 with glycine.
Molecular consequence: missense variant.
Genome position (GRCh38, 1-based): chr5:132,387,102, C>G. VCF-style: chr5-132387102-C-G. GRCh37 (hg19) VCF-style: chr5-131722794-C-G.
Other names: p.Ala301Gly; c.974C>G, p.Ala325Gly (NM_001308122.2); short protein forms A301G, A325G.
Identifiers: ClinVar variation 1707649 (VCV001707649.7), dbSNP rs72552730, ClinGen allele CA360805655.

ClinVar aggregate classification (germline): Conflicting classifications of pathogenicity. Review status: criteria provided, conflicting classifications (1 of 4 stars). 2 submissions from 2 submitters: Likely pathogenic (1); Uncertain significance (1). Last evaluated 2022-10-03.

Conditions:
Renal carnitine transport defect (CDSP). Also called: Systemic primary carnitine deficiency; Primary carnitine deficiency; Systemic primary carnitine deficiency disease; CARNITINE DEFICIENCY, SYSTEMIC, DUE TO DEFECT IN RENAL REABSORPTION OF CARNITINE; CARNITINE TRANSPORTER, PLASMA-MEMBRANE, DEFICIENCY OF; CARNITINE UPTAKE DEFECT. Identifiers: Orphanet 158, MedGen C0342788, MONDO:0008919, OMIM 212140.

Allele frequency attached by ClinVar (database versions not stated): gnomAD 0.00001.
gnomAD v4.1: 1 of 1,614,050 alleles (0.000062%); highest among the groups gnomAD compares: East Asian, 0.0022%; no homozygotes.

Submissions (2):

Giacomini Lab, University of California, San Francisco
Classification: Uncertain significance for Renal carnitine transport defect. Last evaluated: 2022-10-03. Review status: criteria provided, single submitter. Criteria: ACMG Guidelines, 2015. Collection method: research, in vitro. Allele origin: germline, not applicable.

Labcorp Genetics (formerly Invitae), Labcorp
Classification: Likely pathogenic for Renal carnitine transport defect. Last evaluated: 2022-09-20. Review status: criteria provided, single submitter. Criteria: Invitae Variant Classification Sherloc (09022015). Collection method: clinical testing. Allele origin: germline.
Comment: This variant disrupts the p.Ala301 amino acid residue in SLC22A5. Other variant(s) that disrupt this residue have been determined to be pathogenic (PMID: 11058897). This suggests that this residue is clinically significant, and that variants that disrupt this residue are likely to be disease-causing. Advanced modeling of protein sequence and biophysical properties (such as structural, functional, and spatial information, amino acid conservation, physicochemical variation, residue mobility, and thermodynamic stability) performed at Invitae indicates that this missense variant is expected to disrupt SLC22A5 protein function. This variant has not been reported in the literature in individuals affected with SLC22A5-related conditions. This variant is present in population databases (no rsID available, gnomAD 0.06%). This sequence change replaces alanine, which is neutral and non-polar, with glycine, which is neutral and non-polar, at codon 301 of the SLC22A5 protein (p.Ala301Gly). In summary, the currently available evidence indicates that the variant is pathogenic, but additional data are needed to prove that conclusively. Therefore, this variant has been classified as Likely Pathogenic.

Literature cited by the submitters: PubMed 11058897 (cited by Labcorp Genetics (formerly Invitae), Labcorp).